The following is an entry in ClinVar:

ClinVar aggregate classification (germline): Pathogenic (1 of 4 stars; one submission).

Submission:

Labcorp Genetics (formerly Invitae), Labcorp
Classification: Pathogenic. Last evaluated: 2021-03-04. Review status: criteria provided, single submitter. Criteria: Invitae Variant Classification Sherloc (09022015). Collection method: clinical testing. Allele origin: germline.
Comment: This sequence change replaces glycine with glutamic acid at codon 808 of the COL4A5 protein (p.Gly808Glu). The glycine residue is highly conserved and there is a moderate physicochemical difference between glycine and glutamic acid. This variant is not present in population databases (ExAC no frequency). This variant has been observed in individual(s) with Alport syndrome (PMID: 10094548, Invitae). ClinVar contains an entry for this variant (Variation ID: 24519). Advanced modeling of protein sequence and biophysical properties (such as structural, functional, and spatial information, amino acid conservation, physicochemical variation, residue mobility, and thermodynamic stability) performed at Invitae indicates that this missense variant is expected to disrupt COL4A5 protein function. This variant disrupts the triple helix domain of COL4A5. Glycine residues within the Gly-Xaa-Yaa repeats of the triple helix domain are required for the structure and stability of fibrillar collagens (PMID: 7695699, 8218237, 19344236). In COL4A5, missense variants at these glycine residues are significantly enriched in individuals with disease (PMID: 23720012, 27627812) compared to the general population (ExAC). For these reasons, this variant has been classified as Pathogenic.

Literature cited by the submitters: PubMed 10094548; PubMed 7695699; PubMed 8218237; PubMed 19344236; PubMed 23720012; PubMed 27627812.

NM_033380.3(COL4A5):c.2423G>A (p.Gly808Glu)

Gene: COL4A5 (collagen type IV alpha 5 chain; plus strand). Cytogenetic location: Xq22.3.
Variant type: single nucleotide variant.
Coding change: c.2423G>A on transcript NM_033380.3 (MANE Select); coding-DNA position 2423, G replaced by A.
Protein change: p.Gly808Glu; replaces glycine 808 with glutamic acid.
Molecular consequence: missense variant.
Genome position (GRCh38, 1-based): chrX:108,614,938, G>A. VCF-style: chrX-108614938-G-A. GRCh37 (hg19) VCF-style: chrX-107858168-G-A.
Other names: c.2423G>A, p.Gly808Glu (NM_000495.5); short protein forms G808E.
Identifiers: ClinVar variation 1412850 (VCV001412850.5), dbSNP rs104886180, ClinGen allele CA258680.